The following is an entry in ClinVar:

NM_001375808.2(LPIN2):c.863C>T (p.Ala288Val)

Gene: LPIN2 (lipin 2; minus strand). Cytogenetic location: 18p11.31.
Variant type: single nucleotide variant.
Coding change: c.863C>T on transcript NM_001375808.2 (MANE Select); coding-DNA position 863, C replaced by T.
Protein change: p.Ala288Val; replaces alanine 288 with valine.
Molecular consequence: missense variant.
Genome position (GRCh38, 1-based): chr18:2,937,997, G>A on the plus strand (C>T on the coding strand, the complement: LPIN2 is on the minus strand). VCF-style: chr18-2937997-G-A. GRCh37 (hg19) VCF-style: chr18-2937995-G-A.
Other names: c.863C>T, p.Ala288Val (NM_001375809.1, NM_014646.2); short protein forms A288V.
Identifiers: ClinVar variation 1514031 (VCV001514031.10), dbSNP rs766692933, ClinGen allele CA295507831.

ClinVar aggregate classification (germline): Uncertain significance. Review status: criteria provided, single submitter (1 of 4 stars). 2 submissions from 2 submitters: Uncertain significance (1). 1 of the submissions does not count toward it. Last evaluated 2021-06-20.

Conditions:
Majeed syndrome (MJDS). Also called: CHRONIC RECURRENT MULTIFOCAL OSTEOMYELITIS 1, WITH CONGENITAL DYSERYTHROPOIETIC ANEMIA, WITH OR WITHOUT NEUTROPHILIC DERMATOSIS; LPIN2-Related Majeed Syndrome. Identifiers: Orphanet 77297, MedGen C1864997, MONDO:0012316, OMIM 609628.
LPIN2-related disorder. Also called: LPIN2-related condition.

Allele frequency attached by ClinVar (database versions not stated): gnomAD exomes below 0.00001 and 0.00001.
gnomAD v4.1: 21 of 1,614,120 alleles (0.0013%); highest among the groups gnomAD compares: Non-Finnish European, 0.0018%; no homozygotes.

Submissions (2):

Labcorp Genetics (formerly Invitae), Labcorp
Classification: Uncertain significance for Majeed syndrome. Last evaluated: 2021-06-20. Review status: criteria provided, single submitter. Criteria: Invitae Variant Classification Sherloc (09022015). Collection method: clinical testing. Allele origin: germline.
Comment: In summary, the available evidence is currently insufficient to determine the role of this variant in disease. Therefore, it has been classified as a Variant of Uncertain Significance. This sequence change replaces alanine with valine at codon 288 of the LPIN2 protein (p.Ala288Val). The alanine residue is weakly conserved and there is a small physicochemical difference between alanine and valine. This variant is not present in population databases (ExAC no frequency). This variant has not been reported in the literature in individuals with LPIN2-related conditions. Algorithms developed to predict the effect of missense changes on protein structure and function (SIFT, PolyPhen-2, Align-GVGD) all suggest that this variant is likely to be tolerated, but these predictions have not been confirmed by published functional studies and their clinical significance is uncertain.

PreventionGenetics, part of Exact Sciences
Classification: Uncertain significance for LPIN2-related condition. Last evaluated: 2024-02-08. Review status: no assertion criteria provided. Collection method: clinical testing. Allele origin: germline. Not counted in ClinVar's aggregate classification.
Comment: The LPIN2 c.863C>T variant is predicted to result in the amino acid substitution p.Ala288Val. To our knowledge, this variant has not been reported in the literature. This variant is reported in 0.00090% of alleles in individuals of European (Non-Finnish) descent in gnomAD. At this time, the clinical significance of this variant is uncertain due to the absence of conclusive functional and genetic evidence.